The following is an entry in ClinVar:

ClinVar aggregate classification (germline): Likely pathogenic (1 of 4 stars; one submission).

Conditions:
alpha Thalassemia. Also called: Alpha thalassemia spectrum. Identifiers: Orphanet 846, MedGen C0002312, MONDO:0011399, OMIM 604131.

Submission:

Natera, Inc.
Classification: Likely pathogenic for Alpha thalassemia. Last evaluated: 2025-07-31. Review status: criteria provided, single submitter. Criteria: Natera Variant Classification Schema (03/2026). Collection method: clinical testing. Allele origin: germline.
Comment: The c.143delA variant in HBA1 is a frameshift variant predicted to shift the reading frame beginning at codon 48 and leads to a stop codon 2 codons downstream. This variant is expected to result in nonsense mediated decay, truncation, or a dysfunctional protein product. This variant is rare in the general population with a frequency below the threshold expected for the associated phenotype(s). Given the available evidence, this variant is classified as Likely Pathogenic.

NM_000558.5(HBA1):c.143del (p.Asp48fs)

Genes: HBA1 (hemoglobin subunit alpha 1; plus strand), LOC106804613 (hemoglobin subunit alpha 1 recombination region; plus strand). Cytogenetic location: 16p13.3.
Variant type: Deletion.
Coding change: c.143del on transcript NM_000558.5 (MANE Select); coding-DNA position 143, one base deleted (A; older notation c.143delA).
Protein change: p.Asp48fs; shifts the reading frame from aspartic acid 48.
Molecular consequence: frameshift variant.
Genome position (GRCh38, 1-based): chr16:176,976, A deleted. VCF-style (leftmost placement, unchanged base first): chr16-176975-GA-G. GRCh37 (hg19) VCF-style: chr16-226974-GA-G.
Other names: short protein forms D48fs.
Identifiers: ClinVar variation 4814375 (VCV004814375.1).
Genomic context (GRCh38, chr16:176,975, plus strand): 5'-GCTTCTCCCCGCAGGATGTTCCTGTCCTTCCCCACCACCAAGACCTACTTCCCGCACTTC[GA>G]CCTGAGCCACGGCTCTGCCCAGGTTAAGGGCCACGGCAAGAAGGTGGCCGACGCGCTGAC-3'